The following is an entry in ClinVar:

NM_000390.4(CHM):c.1497C>T (p.Cys499=)

Gene: CHM (CHM Rab escort protein; minus strand). Cytogenetic location: Xq21.2.
Variant type: single nucleotide variant.
Coding change: c.1497C>T on transcript NM_000390.4 (MANE Select); coding-DNA position 1497, C replaced by T.
Protein change: p.Cys499=; no amino-acid change (cysteine 499 retained).
Molecular consequence: synonymous variant.
Genome position (GRCh38, 1-based): chrX:85,894,201, G>A on the plus strand (C>T on the coding strand, the complement: CHM is on the minus strand). VCF-style: chrX-85894201-G-A. GRCh37 (hg19) VCF-style: chrX-85149206-G-A.
Other names: c.1053C>T, p.Cys351= (NM_001320959.1, NM_001362517.1, NM_001362518.2 and 1 more transcripts).
Identifiers: ClinVar variation 1378535 (VCV001378535.6), dbSNP rs132630267, ClinGen allele CA517493603.

ClinVar aggregate classification (germline): Uncertain significance (1 of 4 stars; one submission).

Allele frequency attached by ClinVar (database versions not stated): gnomAD exomes below 0.00001.
gnomAD v4.1: 1 of 1,206,025 alleles (0.000083%); highest among the groups gnomAD compares: Non-Finnish European, 0.00011%; no homozygotes.

Submission:

Labcorp Genetics (formerly Invitae), Labcorp
Classification: Uncertain significance. Last evaluated: 2021-08-29. Review status: criteria provided, single submitter. Criteria: Invitae Variant Classification Sherloc (09022015). Collection method: clinical testing. Allele origin: germline.
Comment: This sequence change affects codon 499 of the CHM mRNA. It is a 'silent' change, meaning that it does not change the encoded amino acid sequence of the CHM protein. This variant is not present in population databases (ExAC no frequency). This variant has not been reported in the literature in individuals affected with CHM-related conditions. Algorithms developed to predict the effect of sequence changes on RNA splicing suggest that this variant may create or strengthen a splice site. In summary, the available evidence is currently insufficient to determine the role of this variant in disease. Therefore, it has been classified as a Variant of Uncertain Significance.